The following is an entry in ClinVar:

ClinVar aggregate classification (germline): Likely benign (1 of 4 stars; one submission).

Submission:

CeGaT Center for Human Genetics Tuebingen
Classification: Likely benign. Last evaluated: 2023-01-01. Review status: criteria provided, single submitter. Criteria: CeGaT Center For Human Genetics Tuebingen Variant Classification Criteria Version 2. Collection method: clinical testing. Allele origin: germline. Affected: yes. Observed: 1 variant allele.
Comment: BRPF1: PM2:Supporting, BP4, BP7

NM_001003694.2(BRPF1):c.660G>A (p.Glu220=)

Gene: BRPF1 (bromodomain and PHD finger containing 1; plus strand). Cytogenetic location: 3p25.3.
Variant type: single nucleotide variant.
Coding change: c.660G>A on transcript NM_001003694.2 (MANE Select); coding-DNA position 660, G replaced by A.
Protein change: p.Glu220=; no amino-acid change (glutamic acid 220 retained).
Molecular consequence: synonymous variant. On other transcripts: non-coding transcript variant (1).
Genome position (GRCh38, 1-based): chr3:9,739,059, G>A. VCF-style: chr3-9739059-G-A. GRCh37 (hg19) VCF-style: chr3-9780743-G-A.
Other names: c.660G>A, p.Glu220= (NM_004634.3, NM_001319049.2, NM_001319050.2 and 1 more transcripts).
Identifiers: ClinVar variation 2653484 (VCV002653484.24), dbSNP rs1559658798, ClinGen allele CA432373417.